The following is an entry in ClinVar:

ClinVar aggregate classification (germline): Uncertain significance (1 of 4 stars; one submission).

Conditions:
Renal cell carcinoma. Identifiers: Orphanet 217071, MedGen C0007134, MeSH D002292, MONDO:0005086, HP:0005584.

Submission:

Labcorp Genetics (formerly Invitae), Labcorp
Classification: Uncertain significance for Renal cell carcinoma. Last evaluated: 2021-05-19. Review status: criteria provided, single submitter. Criteria: Invitae Variant Classification Sherloc (09022015). Collection method: clinical testing. Allele origin: germline.
Comment: The current clinical and genetic evidence is not sufficient to establish whether loss-of-function variants in MET cause disease. Therefore, this variant has been classified as a Variant of Uncertain Significance. This variant is not present in population databases (ExAC no frequency). While this particular variant has not been reported in the literature, truncating variants in MET are not necessarily pathogenic (PMID: 9140397), and the clinical significance of this variant is uncertain at this time. This sequence change deletes 1 nucleotide from exon 2 of the MET mRNA (c.629delC), causing a frameshift at codon 210. This creates a premature translational stop signal (p.Pro210Hisfs*7) and is expected to result in an absent or disrupted protein product.

Literature cited by the submitters: PubMed 9140397.

NM_000245.4(MET):c.629del (p.Pro210fs)

Gene: MET (MET proto-oncogene, receptor tyrosine kinase; plus strand). Cytogenetic location: 7q31.2.
Variant type: Deletion.
Coding change: c.629del on transcript NM_000245.4 (MANE Select); coding-DNA position 629, one base deleted (C; older notation c.629delC).
Protein change: p.Pro210fs; shifts the reading frame from proline 210.
Molecular consequence: frameshift variant. On other transcripts: intron variant (1).
Genome position (GRCh38, 1-based): chr7:116,699,713, C deleted; the last of 2 consecutive C bases (chr7:116,699,712-116,699,713); deleting either gives the same sequence. VCF-style (leftmost placement, unchanged base first): chr7-116699711-TC-T. GRCh37 (hg19) VCF-style: chr7-116339765-TC-T.
Other names: c.629del, p.Pro210fs (NM_001127500.3, NM_001324401.3); c.-91+27136del (NM_001324402.2); short protein forms P210fs.
Identifiers: ClinVar variation 454254 (VCV000454254.8), dbSNP rs1554378645, ClinGen allele CA658657708.